The following is an entry in ClinVar:

ClinVar aggregate classification (germline): Uncertain significance. Review status: criteria provided, multiple submitters, no conflicts (2 of 4 stars). 2 submissions from 2 submitters: Uncertain significance (2). Last evaluated 2025-10-02.

Conditions:
Transketolase deficiency. Also called: Short stature, developmental delay, and congenital heart defects. Identifiers: Orphanet 488618, MedGen C5700245, MONDO:0014881, OMIM 617044.

gnomAD v4.1: 27 of 1,613,874 alleles (0.0017%); highest among the groups gnomAD compares: South Asian, 0.0022%; no homozygotes.

Submissions (2):

Ambry Genetics
Classification: Uncertain significance. Last evaluated: 2025-10-02. Review status: criteria provided, single submitter. Criteria: Ambry Variant Classification Scheme 2023. Collection method: clinical testing. Allele origin: germline.

Juno Genomics, Hangzhou Juno Genomics, Inc
Classification: Uncertain significance for Transketolase deficiency. Review status: criteria provided, single submitter. Criteria: ACMG Guidelines, 2015. Collection method: clinical testing. Allele origin: germline.
Comment: Absent from controls (or at extremely low frequency if recessive) in Genome Aggregation Database.;Multiple lines of computational evidence support a deleterious effect on the gene or gene product.

NM_001064.4(TKT):c.209G>A (p.Arg70His)

Gene: TKT (transketolase; minus strand). Cytogenetic location: 3p21.1.
Variant type: single nucleotide variant.
Coding change: c.209G>A on transcript NM_001064.4 (MANE Select); coding-DNA position 209, G replaced by A.
Protein change: p.Arg70His; replaces arginine 70 with histidine.
Molecular consequence: missense variant. On other transcripts: non-coding transcript variant (1).
Genome position (GRCh38, 1-based): chr3:53,242,141, C>T on the plus strand (G>A on the coding strand, the complement: TKT is on the minus strand). VCF-style: chr3-53242141-C-T. GRCh37 (hg19) VCF-style: chr3-53276157-C-T.
Other names: c.209G>A, p.Arg70His (NM_001135055.3, NM_001258028.2); short protein forms R70H.
Identifiers: ClinVar variation 4595349 (VCV004595349.3).